The following is an entry in ClinVar:

NM_000492.4(CFTR):c.744-33GATT[8]

Gene: CFTR (CF transmembrane conductance regulator; plus strand). Cytogenetic location: 7q31.2.
Variant type: Microsatellite.
Coding change: c.744-33GATT[8] on transcript NM_000492.4 (MANE Select); eight copies in a row of the 4-base unit GATT starting at c.744-33; the reference has seven copies in a row; one copy, 4 bases duplicated.
Molecular consequence: intron variant.
Genome position (GRCh38, 1-based): chr7:117,536,539-117,536,542, GATT duplicated; duplicating any 4 consecutive bases within chr7:117,536,515-117,536,542 gives the same sequence; the position shown is the placement nearest the transcript's 3' end. VCF-style (leftmost placement, unchanged base first): chr7-117536514-A-AGATT. GRCh37 (hg19) VCF-style: chr7-117176568-A-AGATT.
Other names: c.744-9_744-6dup (NM_000492.3); c.744-9_744-6dupGATT (NM_000492.3, NM_000492.4).
Identifiers: ClinVar variation 35889 (VCV000035889.41), dbSNP rs1805171, ClinGen allele CA260259.

ClinVar aggregate classification (germline): Benign/Likely benign. Review status: criteria provided, multiple submitters, no conflicts (2 of 4 stars). 9 submissions from 9 submitters: Benign (6); Likely benign (3). Last evaluated 2025-07-23.

Conditions:
Cystic fibrosis (CF). Also called: MUCOVISCIDOSIS. Identifiers: Orphanet 586, MedGen C0010674, MONDO:0009061, OMIM 219700. Disease mechanism: loss of function.

Submissions (9):

ARUP Laboratories, Molecular Genetics and Genomics, ARUP Laboratories
Classification: Benign. Last evaluated: 2025-07-23. Review status: criteria provided, single submitter. Criteria: ARUP Molecular Germline Variant Investigation Process 2024. Collection method: clinical testing. Allele origin: germline.

Quest Diagnostics Nichols Institute San Juan Capistrano
Classification: Likely benign. Last evaluated: 2025-06-03. Review status: criteria provided, single submitter. Criteria: Quest Diagnostics criteria. Collection method: clinical testing. Allele origin: unknown.

Women's Health and Genetics/Laboratory Corporation of America, LabCorp
Classification: Benign. Last evaluated: 2025-02-24. Review status: criteria provided, single submitter. Criteria: LabCorp Variant Classification Summary - May 2015. Collection method: clinical testing. Allele origin: germline.
Comment: Variant summary: CFTR c.744-9_744-6dupGATT alters a conserved nucleotide located close to a canonical splice site and therefore could affect mRNA splicing, leading to a significantly altered protein sequence. Intron 6 of CFTR is unique in that there is a region of 7 GATT repeats upstream to the highly conserved -1 and -2 positions. In the same position (c.744-9_744-6), there is a similar variant c.744-9_744-6delGATT that is a frequent SNP implicating that the duplication at this position is probably benign. Consensus agreement among computation tools predict no significant impact on normal splicing. However, these predictions have yet to be confirmed by functional studies. The variant allele was found at a frequency of 0.0017 in 1541737 control chromosomes in the gnomAD database, including 6 homozygotes. This frequency is not significantly higher than estimated for a pathogenic variant in CFTR causing Cystic Fibrosis (0.0017 vs 0.013), allowing no conclusion about variant significance. c.744-9_744-6dupGATT has been reported in the literature in at least 10 individuals affected with mild Cystic Fibrosis in cis with a pathogenic variant p.L206W and in trans with pathogenic variants p.F508del and p.F507del, providing evidence for a benign role (Claustres_1993, Rozen_1995). To our knowledge, no experimental evidence demonstrating an impact on protein function has been reported. The following publications have been ascertained in the context of this evaluation (PMID: 7691344, 7545869, 1709137). ClinVar contains an entry for this variant (Variation ID: 35889). Based on the evidence outlined above, the variant was classified as benign.

CeGaT Center for Human Genetics Tuebingen
Classification: Likely benign. Last evaluated: 2024-10-01. Review status: criteria provided, single submitter. Criteria: CeGaT Center For Human Genetics Tuebingen Variant Classification Criteria Version 2. Collection method: clinical testing. Allele origin: germline. Affected: yes. Observed: 1 variant allele.
Comment: CFTR: BP4, BS2

GeneDx
Classification: Likely benign. Last evaluated: 2023-02-17. Review status: criteria provided, single submitter. Criteria: GeneDx Variant Classification Process June 2021. Collection method: clinical testing. Allele origin: germline. Affected: yes.
Comment: See Variant Classification Assertion Criteria.

CFTR-France
Classification: Benign for cystic fibrosis. Last evaluated: 2018-01-29. Review status: criteria provided, single submitter. Criteria: Claustres M et al. (Hum Mutat 2017). Collection method: curation. Allele origin: germline. Affected: no.
Comment: the variant does not result in CFTR-RD neither

Eurofins Ntd Llc (ga)
Classification: Benign. Last evaluated: 2017-06-23. Review status: criteria provided, single submitter. Criteria: EGL Classification Definitions 2015. Collection method: clinical testing. Allele origin: germline. Observed: 1 variant allele, 1 heterozygote.

Ambry Genetics
Classification: Benign for Cystic fibrosis. Last evaluated: 2015-08-04. Review status: criteria provided, single submitter. Criteria: Ambry Variant Classification Scheme 2023. Collection method: clinical testing. Allele origin: germline.

PreventionGenetics, part of Exact Sciences
Classification: Benign. Review status: criteria provided, single submitter. Criteria: ACMG Guidelines, 2015. Collection method: clinical testing. Allele origin: germline.

Literature cited by the submitters: PubMed 1709137 (cited by Quest Diagnostics Nichols Institute San Juan Capistrano and Women's Health and Genetics/Laboratory Corporation of America, LabCorp); PubMed 28603918 (cited by Quest Diagnostics Nichols Institute San Juan Capistrano); PubMed 7691344 (cited by Women's Health and Genetics/Laboratory Corporation of America, LabCorp); PubMed 7545869 (cited by Women's Health and Genetics/Laboratory Corporation of America, LabCorp).